The following is an entry in ClinVar:

ClinVar aggregate classification (germline): Uncertain significance (1 of 4 stars; one submission).

Conditions:
Familial thoracic aortic aneurysm and aortic dissection (TAAD). Also called: Thoracic aortic aneurysms and dissections. Identifiers: Orphanet 91387, MedGen C4707243, MONDO:0019625.

Allele frequency attached by ClinVar (database versions not stated): ExAC 0.00001.
gnomAD v4.1: 2 of 1,613,922 alleles (0.00012%); highest among the groups gnomAD compares: Non-Finnish European, 0.00017%; no homozygotes.

Submission:

Labcorp Genetics (formerly Invitae), Labcorp
Classification: Uncertain significance for Familial thoracic aortic aneurysm and aortic dissection. Last evaluated: 2024-03-18. Review status: criteria provided, single submitter. Criteria: Invitae Variant Classification Sherloc (09022015). Collection method: clinical testing. Allele origin: germline.
Comment: This sequence change replaces alanine, which is neutral and non-polar, with proline, which is neutral and non-polar, at codon 312 of the SMAD3 protein (p.Ala312Pro). This variant is present in population databases (rs750756638, gnomAD 0.0009%). This variant has not been reported in the literature in individuals affected with SMAD3-related conditions. Advanced modeling of protein sequence and biophysical properties (such as structural, functional, and spatial information, amino acid conservation, physicochemical variation, residue mobility, and thermodynamic stability) performed at Invitae indicates that this missense variant is not expected to disrupt SMAD3 protein function with a negative predictive value of 80%. In summary, the available evidence is currently insufficient to determine the role of this variant in disease. Therefore, it has been classified as a Variant of Uncertain Significance.

NM_005902.4(SMAD3):c.934G>C (p.Ala312Pro)

Gene: SMAD3 (SMAD family member 3; plus strand). Cytogenetic location: 15q22.33.
Variant type: single nucleotide variant.
Coding change: c.934G>C on transcript NM_005902.4 (MANE Select); coding-DNA position 934, G replaced by C.
Protein change: p.Ala312Pro; replaces alanine 312 with proline.
Molecular consequence: missense variant. On other transcripts: intron variant (1).
Genome position (GRCh38, 1-based): chr15:67,184,789, G>C. VCF-style: chr15-67184789-G-C. GRCh37 (hg19) VCF-style: chr15-67477127-G-C.
Other names: c.619G>C, p.Ala207Pro (NM_001145102.2, NM_001407016.1); c.802G>C, p.Ala268Pro (NM_001145103.2, NM_001407012.1); c.349G>C, p.Ala117Pro (NM_001145104.2, NM_001407017.1); c.934G>C, p.Ala312Pro (NM_001407011.1); c.787G>C, p.Ala263Pro (NM_001407014.1); c.487G>C, p.Ala163Pro (NM_001407015.1); c.872-2576G>C (NM_001407013.1); short protein forms A163P, A207P, A312P, A117P, A263P, A268P.
Identifiers: ClinVar variation 2870737 (VCV002870737.3), dbSNP rs750756638, ClinGen allele CA062863.